The following is an entry in ClinVar:

NM_001001557.4(GDF6):c.1012T>C (p.Phe338Leu)

Gene: GDF6 (growth differentiation factor 6; minus strand). Cytogenetic location: 8q22.1.
Variant type: single nucleotide variant.
Coding change: c.1012T>C on transcript NM_001001557.4 (MANE Select); coding-DNA position 1012, T replaced by C.
Protein change: p.Phe338Leu; replaces phenylalanine 338 with leucine.
Molecular consequence: missense variant.
Genome position (GRCh38, 1-based): chr8:96,144,919, A>G on the plus strand (T>C on the coding strand, the complement: GDF6 is on the minus strand). VCF-style: chr8-96144919-A-G. GRCh37 (hg19) VCF-style: chr8-97157147-A-G.
Other names: c.1012T>C (NM_001001557.2); short protein forms F338L.
Identifiers: ClinVar variation 2139906 (VCV002139906.5), dbSNP rs1167399158, ClinGen allele CA371751340.
Genomic context (GRCh38, chr8:96,144,919, plus strand): 5'-GCTTCTTGCTGCAGCGTAGCCTGGACTTCTTGCCGTGCCGCTTGCCATGGCGACTGGCGA[A>G]GGCCGTGCGCCGCCGCCGGCGGCCGGGCGAGGGCAGCCAAGGCCTGGCATCCGGGGCGCC-3'
Protein context (NP_001001557.1, residues 328-348): SPGRRRRRTA[Phe338Leu]ASRHGKRHGK

ClinVar aggregate classification (germline): Uncertain significance. Review status: criteria provided, multiple submitters, no conflicts (2 of 4 stars). 2 submissions from 2 submitters: Uncertain significance (2). Last evaluated 2025-01-15.

Conditions:
Inborn genetic diseases. Identifiers: MedGen C0950123, MeSH D030342.
Microphthalmia, isolated, with coloboma 6 (MCOPCB6). Also called: MICROPHTHALMIA/COLOBOMA 6; Microphthalmia with coloboma 6, digenic; Microphthalmia with coloboma 6. Identifiers: Orphanet 98938, MedGen C3150968, MONDO:0013376, OMIM 613703.
Klippel-Feil syndrome 1, autosomal dominant (KFS1). Also called: CERVICAL VERTEBRAL FUSION, AUTOSOMAL DOMINANT. Identifiers: Orphanet 2345, MedGen C1861689, MONDO:0007306, OMIM 118100.
Isolated microphthalmia 4. Identifiers: Orphanet 2542, MedGen C2751307, MONDO:0013130, OMIM 613094.
Leber congenital amaurosis 17 (LCA17). Identifiers: Orphanet 65, MedGen C3715164, MONDO:0014145, OMIM 615360.

Allele frequency attached by ClinVar (database versions not stated): gnomAD exomes below 0.00001; gnomAD 0.00001.
gnomAD v4.1: 5 of 1,606,668 alleles (0.00031%); highest among the groups gnomAD compares: East Asian, 0.0067%; no homozygotes.

Submissions (2):

Labcorp Genetics (formerly Invitae), Labcorp
Classification: Uncertain significance for Isolated microphthalmia 4; Leber congenital amaurosis 17; Klippel-Feil syndrome 1, autosomal dominant; Microphthalmia, isolated, with coloboma 6. Last evaluated: 2025-01-15. Review status: criteria provided, single submitter. Criteria: Invitae Variant Classification Sherloc (09022015). Collection method: clinical testing. Allele origin: germline.
Comment: This sequence change replaces phenylalanine, which is neutral and non-polar, with leucine, which is neutral and non-polar, at codon 338 of the GDF6 protein (p.Phe338Leu). This variant is present in population databases (no rsID available, gnomAD 0.02%). This variant has not been reported in the literature in individuals affected with GDF6-related conditions. ClinVar contains an entry for this variant (Variation ID: 2139906). Invitae Evidence Modeling of protein sequence and biophysical properties (such as structural, functional, and spatial information, amino acid conservation, physicochemical variation, residue mobility, and thermodynamic stability) indicates that this missense variant is not expected to disrupt GDF6 protein function with a negative predictive value of 80%. In summary, the available evidence is currently insufficient to determine the role of this variant in disease. Therefore, it has been classified as a Variant of Uncertain Significance.

Ambry Genetics
Classification: Uncertain significance for Inborn genetic diseases. Last evaluated: 2024-02-28. Review status: criteria provided, single submitter. Criteria: Ambry Variant Classification Scheme 2023. Collection method: clinical testing. Allele origin: germline.